The following is an entry in ClinVar:

NC_000005.9:g.(?_42688972)_(45303961_?)dup

Genes: ANXA2R (annexin A2 receptor; minus strand), C5orf34 (chromosome 5 open reading frame 34; minus strand), CCDC152 (coiled-coil domain containing 152; plus strand), CCL28 (C-C motif chemokine ligand 28; minus strand), FGF10 (fibroblast growth factor 10; minus strand) and 9 more. Cytogenetic location: 5p12.
Variant type: Duplication.
Identifiers: ClinVar variation 3246316 (VCV003246316.1).

ClinVar aggregate classification (germline): Uncertain significance (1 of 4 stars; one submission).

Conditions:
Developmental and epileptic encephalopathy. Identifiers: MedGen C5779964, MONDO:0100620.

Submission:

Labcorp Genetics (formerly Invitae), Labcorp
Classification: Uncertain significance for Early-infantile DEE. Last evaluated: 2022-12-21. Review status: criteria provided, single submitter. Criteria: Invitae Variant Classification Sherloc (09022015). Collection method: clinical testing. Allele origin: unknown.
Comment: This variant results in a copy number gain of the genomic region encompassing exon(s) 6-8 of the HCN1 gene. This region includes the termination codon of the gene. This copy number gain extends beyond the assayed region for this gene and therefore may encompass additional genes. As the precise location of this event is unknown, it may be in tandem or it may be located elsewhere in the genome. In summary, the available evidence is currently insufficient to determine the role of this variant in disease. Therefore, it has been classified as a Variant of Uncertain Significance. Experimental studies and prediction algorithms are not available or were not evaluated, and the functional significance of this variant is currently unknown. This variant has not been reported in the literature in individuals affected with HCN1-related conditions.